The following is an entry in ClinVar:

ClinVar aggregate classification (germline): Benign. Review status: criteria provided, single submitter (1 of 4 stars). 2 submissions from 2 submitters: Benign (1). 1 of the submissions does not count toward it. Last evaluated 2025-03-11.

Conditions:
DNAAF6-related disorder. Also called: DNAAF6-related condition.

Allele frequency attached by ClinVar (database versions not stated): ExAC 0.00003; gnomAD exomes 0.00002; gnomAD 0.00003.
gnomAD v4.1: 29 of 1,202,807 alleles (0.0024%); highest among the groups gnomAD compares: South Asian, 0.049%; no homozygotes.

Submissions (2):

Labcorp Genetics (formerly Invitae), Labcorp
Classification: Benign. Last evaluated: 2025-03-11. Review status: criteria provided, single submitter. Criteria: Invitae Variant Classification Sherloc (09022015). Collection method: clinical testing. Allele origin: germline.

PreventionGenetics, part of Exact Sciences
Classification: Likely benign for DNAAF6-related condition. Last evaluated: 2019-04-02. Review status: no assertion criteria provided. Collection method: clinical testing. Allele origin: germline. Not counted in ClinVar's aggregate classification.
Comment: This variant is classified as likely benign based on ACMG/AMP sequence variant interpretation guidelines (Richards et al. 2015 PMID: 25741868, with internal and published modifications).

NM_173494.2(DNAAF6):c.351A>G (p.Arg117=)

Gene: DNAAF6 (dynein axonemal assembly factor 6; plus strand). Cytogenetic location: Xq22.3.
Variant type: single nucleotide variant.
Coding change: c.351A>G on transcript NM_173494.2 (MANE Select); coding-DNA position 351, A replaced by G.
Protein change: p.Arg117=; no amino-acid change (arginine 117 retained).
Molecular consequence: synonymous variant.
Genome position (GRCh38, 1-based): chrX:107,222,763, A>G. VCF-style: chrX-107222763-A-G. GRCh37 (hg19) VCF-style: chrX-106465993-A-G.
Other names: c.351A>G, p.Arg117= (NM_001169154.2).
Identifiers: ClinVar variation 3035500 (VCV003035500.4), dbSNP rs746560816, ClinGen allele CA10484662.